The following is an entry in ClinVar:

NC_000003.12:g.(?_33114058)_(33124599_?)del

Gene: CRTAP (cartilage associated protein; plus strand). Cytogenetic location: 3p22.3.
Variant type: Deletion.
Identifiers: ClinVar variation 832169 (VCV000832169.1).

ClinVar aggregate classification (germline): Pathogenic (1 of 4 stars; one submission).

Conditions:
Osteogenesis imperfecta type 7 (OI7). Also called: OSTEOGENESIS IMPERFECTA, TYPE IIB; Osteogenesis imperfecta type 2B; OI type 2B; Osteogenesis imperfecta, perinatal lethal autosomal recessive; OI type IIB; OI type 7. Identifiers: MedGen C1853162, MONDO:0012536, OMIM 610682.

Submission:

Labcorp Genetics (formerly Invitae), Labcorp
Classification: Pathogenic for Osteogenesis imperfecta type 7. Last evaluated: 2019-03-13. Review status: criteria provided, single submitter. Criteria: Invitae Variant Classification Sherloc (09022015). Collection method: clinical testing. Allele origin: germline.
Comment: This variant is a gross deletion of the genomic region encompassing exons 1-3 of the CRTAP gene, which includes the initiator codon. The 5' end of this event is unknown as it extends beyond the assayed region for this gene and therefore may encompass additional genes. The 3' boundary is likely confined to intron 3 of the CRTAP gene. This is expected to result in an absent or disrupted protein product. This variant has not been reported in the literature in individuals with CRTAP-related disease. Loss-of-function variants in CRTAP are known to be pathogenic (PMID: 17055431, 19862557, 24715559). For these reasons, this variant has been classified as Pathogenic.